The following is an entry in ClinVar:

NM_153252.5(BRWD3):c.760T>G (p.Cys254Gly)

Gene: BRWD3 (bromodomain and WD repeat domain containing 3; minus strand). Cytogenetic location: Xq21.1.
Variant type: single nucleotide variant.
Coding change: c.760T>G on transcript NM_153252.5 (MANE Select); coding-DNA position 760, T replaced by G.
Protein change: p.Cys254Gly; replaces cysteine 254 with glycine.
Molecular consequence: missense variant.
Genome position (GRCh38, 1-based): chrX:80,744,085, A>C on the plus strand (T>G on the coding strand, the complement: BRWD3 is on the minus strand). VCF-style: chrX-80744085-A-C. GRCh37 (hg19) VCF-style: chrX-79999584-A-C.
Other names: short protein forms C254G.
Identifiers: ClinVar variation 3360035 (VCV003360035.2).

ClinVar aggregate classification (germline): Uncertain significance. Review status: criteria provided, multiple submitters, no conflicts (2 of 4 stars). 2 submissions from 2 submitters: Uncertain significance (2). Last evaluated 2025-07-08.

Submissions (2):

Labcorp Genetics (formerly Invitae), Labcorp
Classification: Uncertain significance. Last evaluated: 2025-07-08. Review status: criteria provided, single submitter. Criteria: Invitae Variant Classification Sherloc (09022015). Collection method: clinical testing. Allele origin: germline.
Comment: This sequence change replaces cysteine, which is neutral and slightly polar, with glycine, which is neutral and non-polar, at codon 254 of the BRWD3 protein (p.Cys254Gly). This variant is not present in population databases (gnomAD no frequency). This variant has not been reported in the literature in individuals affected with BRWD3-related conditions. ClinVar contains an entry for this variant (Variation ID: 3360035). Invitae Evidence Modeling of protein sequence and biophysical properties (such as structural, functional, and spatial information, amino acid conservation, physicochemical variation, residue mobility, and thermodynamic stability) indicates that this missense variant is not expected to disrupt BRWD3 protein function with a negative predictive value of 80%. In summary, the available evidence is currently insufficient to determine the role of this variant in disease. Therefore, it has been classified as a Variant of Uncertain Significance.

GeneDx
Classification: Uncertain significance. Last evaluated: 2023-06-19. Review status: criteria provided, single submitter. Criteria: GeneDx Variant Classification Process June 2021. Collection method: clinical testing. Allele origin: germline. Affected: yes.
Comment: Not observed at significant frequency in large population cohorts (gnomAD); In silico analysis supports that this missense variant has a deleterious effect on protein structure/function; Has not been previously published as pathogenic or benign to our knowledge